The following is an entry in ClinVar:

ClinVar aggregate classification (germline): Benign (1 of 4 stars; one submission).

Conditions:
Familial cancer of breast. Also called: hereditary breast carcinoma; BREAST CANCER, FAMILIAL; Hereditary breast cancer. Identifiers: Orphanet 227535, MedGen C0346153, MONDO:0016419, OMIM 114480. Disease mechanism: loss of function.

Submission:

Myriad Genetics, Inc.
Classification: Benign for Familial cancer of breast. Last evaluated: 2024-06-06. Review status: criteria provided, single submitter. Criteria: Myriad Autosomal Dominant, Autosomal Recessive and X-Linked Classification Criteria (2023). Collection method: clinical testing. Allele origin: unknown.
Comment: This variant is considered benign. This variant is a silent/synonymous amino acid change and it is not expected to impact splicing.

NM_000051.4(ATM):c.6411C>T (p.Asp2137=)

Genes: ATM (ATM serine/threonine kinase; plus strand), C11orf65 (chromosome 11 open reading frame 65; minus strand). Cytogenetic location: 11q22.3.
Variant type: single nucleotide variant.
Coding change: c.6411C>T on transcript NM_000051.4 (MANE Select); coding-DNA position 6411, C replaced by T.
Protein change: p.Asp2137=; no amino-acid change (aspartic acid 2137 retained).
Molecular consequence: synonymous variant. On other transcripts: intron variant (2).
Genome position (GRCh38, 1-based): chr11:108,320,017, C>T. VCF-style: chr11-108320017-C-T. GRCh37 (hg19) VCF-style: chr11-108190744-C-T.
Other names: c.6411C>T, p.Asp2137= (NM_001351834.2); c.641-10946G>A (NM_001330368.2); c.*39-10946G>A (NM_001351110.2).
Identifiers: ClinVar variation 3254421 (VCV003254421.1), dbSNP rs780299607.